The following is an entry in ClinVar:

ClinVar aggregate classification (germline): Uncertain significance. Review status: criteria provided, multiple submitters, no conflicts (2 of 4 stars). 3 submissions from 3 submitters: Uncertain significance (3). Last evaluated 2024-12-02.

Conditions:
Inborn genetic diseases. Identifiers: MedGen C0950123, MeSH D030342.

Allele frequency attached by ClinVar (database versions not stated): gnomAD 0.00004; TOPMed 0.00004; gnomAD exomes 0.00005; ExAC 0.00007; ESP Exome Variant Server 0.00015; 1000 Genomes Project 30x 0.00016; 1000 Genomes Project 0.00020.

Submissions (3):

Labcorp Genetics (formerly Invitae), Labcorp
Classification: Uncertain significance. Last evaluated: 2024-12-02. Review status: criteria provided, single submitter. Criteria: Invitae Variant Classification Sherloc (09022015). Collection method: clinical testing. Allele origin: germline.
Comment: This sequence change replaces arginine, which is basic and polar, with glutamine, which is neutral and polar, at codon 155 of the RDH5 protein (p.Arg155Gln). This variant is present in population databases (rs199858358, gnomAD 0.05%). This variant has not been reported in the literature in individuals affected with RDH5-related conditions. ClinVar contains an entry for this variant (Variation ID: 849458). An algorithm developed to predict the effect of missense changes on protein structure and function outputs the following: PolyPhen-2: "Benign". The glutamine amino acid residue is found in multiple mammalian species, which suggests that this missense change does not adversely affect protein function. In summary, the available evidence is currently insufficient to determine the role of this variant in disease. Therefore, it has been classified as a Variant of Uncertain Significance.

Ambry Genetics
Classification: Uncertain significance for Inborn genetic diseases. Last evaluated: 2023-05-23. Review status: criteria provided, single submitter. Criteria: Ambry Variant Classification Scheme 2023. Collection method: clinical testing. Allele origin: germline.

Blueprint Genetics
Classification: Uncertain significance. Last evaluated: 2022-12-21. Review status: criteria provided, single submitter. Criteria: ACMG Guidelines, 2015. Collection method: clinical testing. Allele origin: germline.

NM_002905.5(RDH5):c.464G>A (p.Arg155Gln)

Genes: BLOC1S1-RDH5 (BLOC1S1-RDH5 readthrough; plus strand), RDH5 (retinol dehydrogenase 5; plus strand). Cytogenetic location: 12q13.2.
Variant type: single nucleotide variant.
Coding change: c.464G>A on transcript NM_002905.5 (MANE Select); coding-DNA position 464, G replaced by A.
Protein change: p.Arg155Gln; replaces arginine 155 with glutamine.
Molecular consequence: missense variant. On other transcripts: non-coding transcript variant (1).
Genome position (GRCh38, 1-based): chr12:55,721,842, G>A. VCF-style: chr12-55721842-G-A. GRCh37 (hg19) VCF-style: chr12-56115626-G-A.
Other names: c.464G>A, p.Arg155Gln (NM_001199771.3); short protein forms R155Q.
Identifiers: ClinVar variation 849458 (VCV000849458.8), dbSNP rs199858358, ClinGen allele CA6616843.